The following is an entry in ClinVar:

ClinVar aggregate classification (germline): Uncertain significance (1 of 4 stars; one submission).

gnomAD v4.1: 1 of 1,614,134 alleles (0.000062%); highest among the groups gnomAD compares: Non-Finnish European, 0.000085%; no homozygotes.

Submission:

Labcorp Genetics (formerly Invitae), Labcorp
Classification: Uncertain significance. Last evaluated: 2022-06-13. Review status: criteria provided, single submitter. Criteria: Invitae Variant Classification Sherloc (09022015). Collection method: clinical testing. Allele origin: germline.
Comment: This variant is not present in population databases (gnomAD no frequency). This sequence change replaces arginine, which is basic and polar, with leucine, which is neutral and non-polar, at codon 211 of the PLVAP protein (p.Arg211Leu). This variant has not been reported in the literature in individuals affected with PLVAP-related conditions. In summary, the available evidence is currently insufficient to determine the role of this variant in disease. Therefore, it has been classified as a Variant of Uncertain Significance. Algorithms developed to predict the effect of missense changes on protein structure and function output the following: SIFT: "Tolerated"; PolyPhen-2: "Benign"; Align-GVGD: "Class C0". The leucine amino acid residue is found in multiple mammalian species, which suggests that this missense change does not adversely affect protein function.

NM_031310.3(PLVAP):c.632G>T (p.Arg211Leu)

Gene: PLVAP (plasmalemma vesicle associated protein; minus strand). Cytogenetic location: 19p13.11.
Variant type: single nucleotide variant.
Coding change: c.632G>T on transcript NM_031310.3 (MANE Select); coding-DNA position 632, G replaced by T.
Protein change: p.Arg211Leu; replaces arginine 211 with leucine.
Molecular consequence: missense variant.
Genome position (GRCh38, 1-based): chr19:17,365,833, C>A on the plus strand (G>T on the coding strand, the complement: PLVAP is on the minus strand). VCF-style: chr19-17365833-C-A. GRCh37 (hg19) VCF-style: chr19-17476642-C-A.
Other names: short protein forms R211L.
Identifiers: ClinVar variation 2005521 (VCV002005521.4), dbSNP rs771476239, ClinGen allele CA404676739.